The following is an entry in ClinVar:

ClinVar aggregate classification (germline): Likely benign. Review status: criteria provided, single submitter (1 of 4 stars). 2 submissions from 2 submitters: Likely benign (1). 1 of the submissions does not count toward it. Last evaluated 2018-01-25.

Conditions:
CDC42BPB-related disorder.

Allele frequency attached by ClinVar (database versions not stated): gnomAD 0.00009 and 0.00010; 1000 Genomes Project 30x 0.00031; TOPMed 0.00016; gnomAD exomes 0.00001 and 0.00003; ESP Exome Variant Server 0.00008; 1000 Genomes Project 0.00020.

Submissions (2):

Labcorp Genetics (formerly Invitae), Labcorp
Classification: Likely benign. Last evaluated: 2018-01-25. Review status: criteria provided, single submitter. Criteria: Invitae Variant Classification Sherloc (09022015). Collection method: clinical testing. Allele origin: germline.

PreventionGenetics, part of Exact Sciences
Classification: Likely benign for CDC42BPB-related condition. Last evaluated: 2019-11-25. Review status: no assertion criteria provided. Collection method: clinical testing. Allele origin: germline. Not counted in ClinVar's aggregate classification.
Comment: This variant is classified as likely benign based on ACMG/AMP sequence variant interpretation guidelines (Richards et al. 2015 PMID: 25741868, with internal and published modifications).

NM_006035.4(CDC42BPB):c.1785C>G (p.Ser595=)

Gene: CDC42BPB (CDC42 binding protein kinase beta; minus strand). Cytogenetic location: 14q32.32.
Variant type: single nucleotide variant.
Coding change: c.1785C>G on transcript NM_006035.4 (MANE Select); coding-DNA position 1785, C replaced by G.
Protein change: p.Ser595=; no amino-acid change (serine 595 retained).
Molecular consequence: synonymous variant.
Genome position (GRCh38, 1-based): chr14:102,972,018, G>C on the plus strand (C>G on the coding strand, the complement: CDC42BPB is on the minus strand). VCF-style: chr14-102972018-G-C. GRCh37 (hg19) VCF-style: chr14-103438355-G-C.
Identifiers: ClinVar variation 722986 (VCV000722986.5), dbSNP rs138149940, ClinGen allele CA7361275.